The following is an entry in ClinVar:

ClinVar aggregate classification (germline): Uncertain significance (1 of 4 stars; one submission).

Conditions:
Familial adenomatous polyposis 1 (FAP1). Also called: FAMILIAL ADENOMATOUS POLYPOSIS 1, ATTENUATED; POLYPOSIS, ADENOMATOUS INTESTINAL. Identifiers: MedGen C2713442, MONDO:0021056, OMIM 175100. Disease mechanism: loss of function.

Allele frequency attached by ClinVar (database versions not stated): gnomAD 0.00001.

Submission:

Labcorp Genetics (formerly Invitae), Labcorp
Classification: Uncertain significance for Familial adenomatous polyposis 1. Last evaluated: 2023-04-18. Review status: criteria provided, single submitter. Criteria: Invitae Variant Classification Sherloc (09022015). Collection method: clinical testing. Allele origin: germline.
Comment: In summary, the available evidence is currently insufficient to determine the role of this variant in disease. Therefore, it has been classified as a Variant of Uncertain Significance. Experimental studies and prediction algorithms are not available or were not evaluated, and the functional significance of this variant is currently unknown. This variant has not been reported in the literature in individuals affected with APC-related conditions. This variant is present in population databases (no rsID available, gnomAD 0.007%). This variant occurs in a non-coding region of the APC gene. It does not change the encoded amino acid sequence of the APC protein.

NC_000005.10:g.112707479C>A

Genes: APC (APC regulator of Wnt signaling pathway; plus strand), LOC129994371 (ATAC-STARR-seq lymphoblastoid active region 22910; plus strand). Cytogenetic location: 5q22.2.
Variant type: single nucleotide variant.
Genome position: GRCh38 VCF-style: chr5-112707479-C-A. GRCh37 (hg19) VCF-style: chr5-112043176-C-A.
Identifiers: ClinVar variation 2857338 (VCV002857338.3), dbSNP rs1236895567, ClinGen allele CA561890109.